The following is an entry in ClinVar:

NM_139076.3(ABRAXAS1):c.697G>T (p.Val233Leu)

Gene: ABRAXAS1 (abraxas 1, BRCA1 A complex subunit; minus strand). Cytogenetic location: 4q21.23.
Variant type: single nucleotide variant.
Coding change: c.697G>T on transcript NM_139076.3 (MANE Select); coding-DNA position 697, G replaced by T.
Protein change: p.Val233Leu; replaces valine 233 with leucine.
Molecular consequence: missense variant.
Genome position (GRCh38, 1-based): chr4:83,463,593, C>A on the plus strand (G>T on the coding strand, the complement: ABRAXAS1 is on the minus strand). VCF-style: chr4-83463593-C-A. GRCh37 (hg19) VCF-style: chr4-84384746-C-A.
Other names: c.370G>T, p.Val124Leu (NM_001345962.2); short protein forms V124L, V233L.
Identifiers: ClinVar variation 3994507 (VCV003994507.1).

ClinVar aggregate classification (germline): Uncertain significance (1 of 4 stars; one submission).

Submission:

Ambry Genetics
Classification: Uncertain significance. Last evaluated: 2025-03-20. Review status: criteria provided, single submitter. Criteria: Ambry Variant Classification Scheme 2023. Collection method: clinical testing. Allele origin: germline.
Comment: The p.V233L variant (also known as c.697G>T), located in coding exon 8 of the FAM175A gene, results from a G to T substitution at nucleotide position 697. The valine at codon 233 is replaced by leucine, an amino acid with highly similar properties. This amino acid position is conserved. In addition, this alteration is predicted to be tolerated by in silico analysis. Based on the available evidence, the clinical significance of this variant remains unclear.